The following is an entry in ClinVar:

NM_198129.4(LAMA3):c.8409T>C (p.Ser2803=)

Gene: LAMA3 (laminin subunit alpha 3; plus strand). Cytogenetic location: 18q11.2.
Variant type: single nucleotide variant.
Coding change: c.8409T>C on transcript NM_198129.4 (MANE Select); coding-DNA position 8409, T replaced by C.
Protein change: p.Ser2803=; no amino-acid change (serine 2803 retained).
Molecular consequence: synonymous variant.
Genome position (GRCh38, 1-based): chr18:23,928,738, T>C. VCF-style: chr18-23928738-T-C. GRCh37 (hg19) VCF-style: chr18-21508702-T-C.
Other names: c.3582T>C, p.Ser1194= (NM_000227.6); c.8241T>C, p.Ser2747= (NM_001127717.4); c.3414T>C, p.Ser1138= (NM_001127718.4); c.3582T>C (NM_000227.4).
Identifiers: ClinVar variation 2805138 (VCV002805138.4), dbSNP rs2511547843, ClinGen allele CA503340822.

ClinVar aggregate classification (germline): Likely benign. Review status: criteria provided, single submitter (1 of 4 stars). 2 submissions from 2 submitters: Likely benign (1). 1 of the submissions does not count toward it. Last evaluated 2023-05-28.

Conditions:
LAMA3-related disorder. Also called: LAMA3-related disorders; LAMA3-related condition.

Allele frequency attached by ClinVar (database versions not stated): gnomAD exomes below 0.00001.
gnomAD v4.1: 1 of 1,614,000 alleles (0.000062%); highest among the groups gnomAD compares: African/African-American, 0.0013%; no homozygotes.

Submissions (2):

Labcorp Genetics (formerly Invitae), Labcorp
Classification: Likely benign. Last evaluated: 2023-05-28. Review status: criteria provided, single submitter. Criteria: Invitae Variant Classification Sherloc (09022015). Collection method: clinical testing. Allele origin: germline.

PreventionGenetics, part of Exact Sciences
Classification: Likely benign for LAMA3-related condition. Last evaluated: 2019-07-15. Review status: no assertion criteria provided. Collection method: clinical testing. Allele origin: germline. Not counted in ClinVar's aggregate classification.
Comment: This variant is classified as likely benign based on ACMG/AMP sequence variant interpretation guidelines (Richards et al. 2015 PMID: 25741868, with internal and published modifications).